The following is an entry in ClinVar:

ClinVar aggregate classification (germline): Pathogenic. Review status: criteria provided, multiple submitters, no conflicts (2 of 4 stars). 7 submissions from 7 submitters: Pathogenic (7). Last evaluated 2025-09-10.

Conditions:
Meckel syndrome, type 3 (MKS3). Also called: MECKEL-GRUBER SYNDROME, TYPE 3. Identifiers: Orphanet 564, MedGen C1846357, MONDO:0011821, OMIM 607361.
COACH syndrome 1. Identifiers: Orphanet 1454, MedGen C5435651, MONDO:0800103, OMIM 216360, MONDO:0008996.
Nephronophthisis 11 (NPHP11). Identifiers: Orphanet 84081, MedGen C3150796, MONDO:0013302, OMIM 613550.
Joubert syndrome 6 (JBTS6). Identifiers: Orphanet 475, MedGen C1853153, MONDO:0012539, OMIM 610688.
Bardet-Biedl syndrome 14 (BBS14). Identifiers: Orphanet 110, MedGen C2673874, MONDO:0014442, OMIM 615991.
RHYNS syndrome. Also called: RETINITIS PIGMENTOSA SYNDROME; RETINITIS PIGMENTOSA, HYPOPITUITARISM, NEPHRONOPHTHISIS, AND MILD SKELETAL DYSPLASIA. Identifiers: Orphanet 140976, MedGen C1865794, MONDO:0011202, OMIM 602152.
Meckel-Gruber syndrome. Also called: DYSENCEPHALIA SPLANCHNOCYSTICA; Dysencephalia splachnocystica; GRUBER SYNDROME. Identifiers: Orphanet 564, MedGen C0265215, MONDO:0018921.
Joubert syndrome. Also called: Familial aplasia of the vermis; JOUBERT-BOLTSHAUSER SYNDROME. Identifiers: Orphanet 475, MedGen C5979921, MONDO:0018772.
TMEM67-related disorder. Also called: TMEM67-related condition; TMEM67-related disorders. Identifiers: MedGen CN239423.

Allele frequency attached by ClinVar (database versions not stated): gnomAD 0.00001 and 0.00002; TOPMed 0.00002.

Submissions (7):

Genomic Medicine Center of Excellence, King Faisal Specialist Hospital and Research Centre
Classification: Pathogenic for COACH syndrome 1. Last evaluated: 2025-09-10. Review status: criteria provided, single submitter. Criteria: ACMG Guidelines, 2015. Collection method: clinical testing. Allele origin: germline.

Fulgent Genetics
Classification: Pathogenic for COACH syndrome 1; RHYNS syndrome; Meckel syndrome, type 3; Joubert syndrome 6; Nephronophthisis 11; Bardet-Biedl syndrome 14. Last evaluated: 2024-03-12. Review status: criteria provided, single submitter. Criteria: ACMG Guidelines, 2015. Collection method: clinical testing. Allele origin: germline.

Labcorp Genetics (formerly Invitae), Labcorp
Classification: Pathogenic for Joubert syndrome; Meckel-Gruber syndrome. Last evaluated: 2023-11-10. Review status: criteria provided, single submitter. Criteria: Invitae Variant Classification Sherloc (09022015). Collection method: clinical testing. Allele origin: germline.
Comment: This sequence change creates a premature translational stop signal (p.Arg764*) in the TMEM67 gene. It is expected to result in an absent or disrupted protein product. Loss-of-function variants in TMEM67 are known to be pathogenic (PMID: 20232449, 23559409). This variant is present in population databases (no rsID available, gnomAD 0.007%). This premature translational stop signal has been observed in individual(s) with Joubert syndrome (PMID: 26092869, 27434533). ClinVar contains an entry for this variant (Variation ID: 217717). Algorithms developed to predict the effect of sequence changes on RNA splicing suggest that this variant may disrupt the consensus splice site. For these reasons, this variant has been classified as Pathogenic.

Blueprint Genetics
Classification: Pathogenic for TMEM67-related disorders. Last evaluated: 2023-06-07. Review status: criteria provided, single submitter. Criteria: ACMG Guidelines, 2015. Collection method: clinical testing. Allele origin: germline. Affected: yes. Observed: 1 variant allele.

GeneDx
Classification: Pathogenic. Last evaluated: 2023-02-08. Review status: criteria provided, single submitter. Criteria: GeneDx Variant Classification Process June 2021. Collection method: clinical testing. Allele origin: germline. Affected: yes.
Comment: Nonsense variant predicted to result in protein truncation or nonsense mediated decay in a gene for which loss-of-function is a known mechanism of disease; Not observed at significant frequency in large population cohorts (gnomAD); This variant is associated with the following publications: (PMID: 34853893, 32000717, 26092869, 27434533)

Mayo Clinic Laboratories, Mayo Clinic
Classification: Pathogenic. Last evaluated: 2022-11-22. Review status: criteria provided, single submitter. Criteria: ACMG Guidelines, 2015. Collection method: clinical testing. Allele origin: germline. Observed: 1 variant allele.
Comment: PM2_supporting, PM3, PVS1

UW Hindbrain Malformation Research Program, University of Washington
Classification: Pathogenic for Joubert syndrome 6. Last evaluated: 2015-02-23. Review status: criteria provided, single submitter. Criteria: Bachmann-Gagescu et al. (J Med Genet. 2015). Collection method: research. Allele origin: unknown. Affected: yes.

Literature cited by the submitters: PubMed 20232449 (cited by Labcorp Genetics (formerly Invitae), Labcorp); PubMed 23559409 (cited by Labcorp Genetics (formerly Invitae), Labcorp); PubMed 26092869 (cited by Labcorp Genetics (formerly Invitae), Labcorp and Mayo Clinic Laboratories, Mayo Clinic); PubMed 27434533 (cited by Labcorp Genetics (formerly Invitae), Labcorp).

NM_153704.6(TMEM67):c.2290C>T (p.Arg764Ter)

Gene: TMEM67 (transmembrane protein 67; plus strand). Cytogenetic location: 8q22.1.
Variant type: single nucleotide variant.
Coding change: c.2290C>T on transcript NM_153704.6 (MANE Select); coding-DNA position 2290, C replaced by T.
Protein change: p.Arg764Ter; replaces arginine 764 with a stop codon.
Molecular consequence: nonsense. On other transcripts: non-coding transcript variant (1).
Genome position (GRCh38, 1-based): chr8:93,803,652, C>T. VCF-style: chr8-93803652-C-T. GRCh37 (hg19) VCF-style: chr8-94815880-C-T.
Other names: p.Arg764*; c.2047C>T, p.Arg683Ter (NM_001142301.1); short protein forms R683*, R764*.
Identifiers: ClinVar variation 217717 (VCV000217717.12), dbSNP rs751517725, ClinGen allele CA277715.